The following is an entry in ClinVar:

ClinVar aggregate classification (germline): Likely benign. Review status: criteria provided, single submitter (1 of 4 stars). 2 submissions from 2 submitters: Likely benign (1). 1 of the submissions does not count toward it. Last evaluated 2024-09-04.

Conditions:
ROBO1-related disorder. Also called: ROBO1-related condition.

Allele frequency attached by ClinVar (database versions not stated): gnomAD exomes 0.00001; ExAC 0.00007; ESP Exome Variant Server 0.00008; gnomAD 0.00021; 1000 Genomes Project 30x 0.00031; TOPMed 0.00032; 1000 Genomes Project 0.00040.
gnomAD v4.1: 51 of 1,613,572 alleles (0.0032%); highest among the groups gnomAD compares: African/African-American, 0.067%; no homozygotes.

Submissions (2):

Labcorp Genetics (formerly Invitae), Labcorp
Classification: Likely benign. Last evaluated: 2024-09-04. Review status: criteria provided, single submitter. Criteria: Invitae Variant Classification Sherloc (09022015). Collection method: clinical testing. Allele origin: germline.

PreventionGenetics, part of Exact Sciences
Classification: Likely benign for ROBO1-related condition. Last evaluated: 2021-12-08. Review status: no assertion criteria provided. Collection method: clinical testing. Allele origin: germline. Not counted in ClinVar's aggregate classification.
Comment: This variant is classified as likely benign based on ACMG/AMP sequence variant interpretation guidelines (Richards et al. 2015 PMID: 25741868, with internal and published modifications).

NM_002941.4(ROBO1):c.2196C>G (p.Ala732=)

Gene: ROBO1 (roundabout guidance receptor 1; minus strand). Cytogenetic location: 3p12.3.
Variant type: single nucleotide variant.
Coding change: c.2196C>G on transcript NM_002941.4 (MANE Select); coding-DNA position 2196, C replaced by G.
Protein change: p.Ala732=; no amino-acid change (alanine 732 retained).
Molecular consequence: synonymous variant.
Genome position (GRCh38, 1-based): chr3:78,661,154, G>C on the plus strand (C>G on the coding strand, the complement: ROBO1 is on the minus strand). VCF-style: chr3-78661154-G-C. GRCh37 (hg19) VCF-style: chr3-78710304-G-C.
Other names: c.2196C>G (NM_002941.3); c.2088C>G, p.Ala696= (NM_001145844.1, NM_001145845.2, NM_133631.4).
Identifiers: ClinVar variation 2200009 (VCV002200009.6), dbSNP rs377424925, ClinGen allele CA2498743.